The following is an entry in ClinVar:

NM_032119.4(ADGRV1):c.132T>C (p.Asn44=)

Gene: ADGRV1 (adhesion G protein-coupled receptor V1; plus strand). Cytogenetic location: 5q14.3.
Variant type: single nucleotide variant.
Coding change: c.132T>C on transcript NM_032119.4 (MANE Select); coding-DNA position 132, T replaced by C.
Protein change: p.Asn44=; no amino-acid change (asparagine 44 retained).
Molecular consequence: synonymous variant. On other transcripts: non-coding transcript variant (1).
Genome position (GRCh38, 1-based): chr5:90,614,944, T>C. VCF-style: chr5-90614944-T-C. GRCh37 (hg19) VCF-style: chr5-89910761-T-C.
Other names: c.132T>C (NM_032119.3).
Identifiers: ClinVar variation 1947868 (VCV001947868.6), dbSNP rs368716112, ClinGen allele CA3338391.

ClinVar aggregate classification (germline): Benign/Likely benign. Review status: criteria provided, multiple submitters, no conflicts (2 of 4 stars). 2 submissions from 2 submitters: Benign (1); Likely benign (1). Last evaluated 2025-07-31.

Conditions:
ADGRV1-related disorder. Also called: ADGRV1-related condition; ADGRV1-related disorders.

Allele frequency attached by ClinVar (database versions not stated): TOPMed 0.00003; ExAC 0.00004; gnomAD 0.00004; ESP Exome Variant Server 0.00008; 1000 Genomes Project 30x 0.00016; 1000 Genomes Project 0.00020.
gnomAD v4.1: 12 of 1,597,424 alleles (0.00075%); highest among the groups gnomAD compares: African/African-American, 0.015%; no homozygotes.

Submissions (2):

PreventionGenetics, part of Exact Sciences
Classification: Likely benign for ADGRV1-related condition. Last evaluated: 2025-07-31. Review status: criteria provided, single submitter. Criteria: ACMG Guidelines, 2015. Collection method: clinical testing. Allele origin: germline.
Comment: This variant is classified as likely benign based on ACMG/AMP sequence variant interpretation guidelines (Richards et al. 2015 PMID: 25741868, with internal and published modifications).

Labcorp Genetics (formerly Invitae), Labcorp
Classification: Benign. Last evaluated: 2024-02-04. Review status: criteria provided, single submitter. Criteria: Invitae Variant Classification Sherloc (09022015). Collection method: clinical testing. Allele origin: germline.